The following is an entry in ClinVar:

ClinVar aggregate classification (germline): Uncertain significance (1 of 4 stars; one submission).

Conditions:
Inborn genetic diseases. Identifiers: MedGen C0950123, MeSH D030342.

gnomAD v4.1: 1 of 1,614,064 alleles (0.000062%); highest among the groups gnomAD compares: Non-Finnish European, 0.000085%; no homozygotes.

Submission:

Ambry Genetics
Classification: Uncertain significance for Inborn genetic diseases. Last evaluated: 2025-04-25. Review status: criteria provided, single submitter. Criteria: Ambry Variant Classification Scheme 2023. Collection method: clinical testing. Allele origin: germline.
Comment: The p.R471Q variant (also known as c.1412G>A), located in coding exon 14 of the DDX41 gene, results from a G to A substitution at nucleotide position 1412. The arginine at codon 471 is replaced by glutamine, an amino acid with highly similar properties. This amino acid position is highly conserved in available vertebrate species. In addition, this alteration is predicted to be deleterious by in silico analysis. Based on the available evidence, the clinical significance of this variant remains unclear.

NM_016222.4(DDX41):c.1412G>A (p.Arg471Gln)

Gene: DDX41 (DEAD-box helicase 41; minus strand). Cytogenetic location: 5q35.3.
Variant type: single nucleotide variant.
Coding change: c.1412G>A on transcript NM_016222.4 (MANE Select); coding-DNA position 1412, G replaced by A.
Protein change: p.Arg471Gln; replaces arginine 471 with glutamine.
Molecular consequence: missense variant.
Genome position (GRCh38, 1-based): chr5:177,512,633, C>T on the plus strand (G>A on the coding strand, the complement: DDX41 is on the minus strand). VCF-style: chr5-177512633-C-T. GRCh37 (hg19) VCF-style: chr5-176939634-C-T.
Other names: c.1034G>A, p.Arg345Gln (NM_001321732.2, NM_001321830.2); short protein forms R345Q, R471Q.
Identifiers: ClinVar variation 4010294 (VCV004010294.1).